The following is an entry in ClinVar:

NM_001267550.2(TTN):c.16546G>T (p.Asp5516Tyr)

Gene: TTN (titin; minus strand). Cytogenetic location: 2q31.2.
Variant type: single nucleotide variant.
Coding change: c.16546G>T on transcript NM_001267550.2 (MANE Select); coding-DNA position 16546, G replaced by T.
Protein change: p.Asp5516Tyr; replaces aspartic acid 5516 with tyrosine.
Molecular consequence: missense variant. On other transcripts: intron variant (3).
Genome position (GRCh38, 1-based): chr2:178,732,515, C>A on the plus strand (G>T on the coding strand, the complement: TTN is on the minus strand). VCF-style: chr2-178732515-C-A. GRCh37 (hg19) VCF-style: chr2-179597242-C-A.
Other names: p.D5199Y:GAT>TAT; p.Asp5199Tyr; c.15595G>T, p.Asp5199Tyr (NM_001256850.1); c.12814G>T, p.Asp4272Tyr (NM_133378.4); c.13282+5567G>T (NM_003319.4); c.13858+5567G>T (NM_133437.4); c.13657+5567G>T (NM_133432.3); short protein forms D5516Y, D4272Y, D5199Y.
Identifiers: ClinVar variation 46618 (VCV000046618.53), dbSNP rs72648940, ClinGen allele CA138772.
Genomic context (GRCh38, chr2:178,732,515, plus strand): 5'-TTGCACTGCATTCCACCCCTCCAGCGACATTGCTGACTTTACATGTGTACGTGCCCGAAT[C>A]AGAGGTTTTTACTAAATAGAGTTCCAGGGAACTCTCTAAAGCTTCTTTGGTAATATAGCA-3'
Protein context (NP_001254479.2, residues 5506-5526): SLELYLVKTS[Asp5516Tyr]SGTYTCKVSN

ClinVar aggregate classification (germline): Conflicting classifications of pathogenicity. Review status: criteria provided, conflicting classifications (1 of 4 stars). 21 submissions from 17 submitters: Uncertain significance (7); Benign (2); Likely benign (12). Last evaluated 2026-04-01.

Conditions:
TTN-related disorder. Also called: TTN-related condition; TTN-related disease; TTN-related disorders.
Arrhythmogenic right ventricular cardiomyopathy (ARVD). Also called: Arrhythmogenic right ventricular dysplasia; Cardiomyopathy, ARVC; Arrhythmogenic cardiomyopathy; Arrhythmogenic Right Ventricular Cardiomyopathy (ARVC). Identifiers: Orphanet 247, MedGen C0349788, MeSH D019571, MONDO:0016587. Disease mechanism: loss of function. Inheritance: Various modes of inheritance.
Primary dilated cardiomyopathy (DCM). Also called: Dilated Cardiomyopathy. Identifiers: Orphanet 217604, MedGen C0007193, MeSH D002311, MONDO:0005021, HP:0001644. Inheritance: Various modes of inheritance.
Cardiovascular phenotype. Identifiers: MedGen CN230736.
Dilated cardiomyopathy 1G (CMD1G). Identifiers: Orphanet 154, MedGen C1858763, MONDO:0011400, OMIM 604145.
Autosomal recessive limb-girdle muscular dystrophy type 2J (LGMDR10). Also called: Limb-girdle muscular dystrophy, type 2J; MUSCULAR DYSTROPHY, LIMB-GIRDLE, AUTOSOMAL RECESSIVE 10. Identifiers: Orphanet 140922, MedGen C1837342, MONDO:0012127, OMIM 608807.
Cardiomyopathy (CMYO). Also called: Cardiomyopathies. Identifiers: Orphanet 167848, MedGen C0878544, MONDO:0004994, HP:0001638. Inheritance: Various modes of inheritance.
Early-onset myopathy with fatal cardiomyopathy (CMYO5). Also called: Salih Myopathy; CONGENITAL MYOPATHY 5 WITH CARDIOMYOPATHY. Identifiers: Orphanet 289377, MedGen C2673677, MONDO:0012714, OMIM 611705. Disease mechanism: loss of function.
Myopathy, myofibrillar, 9, with early respiratory failure (MFM9). Also called: Hereditary myopathy with early respiratory failure; Myopathy, distal, with early respiratory failure, autosomal dominant; EDSTROM MYOPATHY; MYOPATHY, PROXIMAL, WITH EARLY RESPIRATORY MUSCLE INVOLVEMENT. Identifiers: Orphanet 178464, Orphanet 34521, MedGen C1863599, MONDO:0011362, OMIM 603689.
Tibial muscular dystrophy (TMD). Also called: Udd Distal Myopathy – Tibial Muscular Dystrophy; Tibial muscular dystrophy, tardive; UDD MYOPATHY. Identifiers: Orphanet 609, MedGen C1838244, MONDO:0010870, OMIM 600334.

Allele frequency attached by ClinVar (database versions not stated): gnomAD 0.00037 and 0.00038; 1000 Genomes Project 0.00040; TOPMed 0.00047; ExAC 0.00053; gnomAD exomes 0.00053 and 0.00056; 1000 Genomes Project 30x 0.00062; ESP Exome Variant Server 0.00092.
gnomAD v4.1: 862 of 1,613,742 alleles (0.053%); highest among the groups gnomAD compares: Non-Finnish European, 0.067%; no homozygotes.

Submissions 1 to 13 of 21:

CeGaT Center for Human Genetics Tuebingen
Classification: Uncertain significance. Last evaluated: 2026-04-01. Review status: criteria provided, single submitter. Criteria: CeGaT Center For Human Genetics Tuebingen Variant Classification Criteria Version 2. Collection method: clinical testing. Allele origin: germline. Affected: yes. Observed: 3 variant alleles.
Comment: TTN: PM2

Labcorp Genetics (formerly Invitae), Labcorp
Classification: Likely benign for Dilated cardiomyopathy 1G; Autosomal recessive limb-girdle muscular dystrophy type 2J. Last evaluated: 2026-02-02. Review status: criteria provided, single submitter. Criteria: Invitae Variant Classification Sherloc (09022015). Collection method: clinical testing. Allele origin: germline.

Mayo Clinic Laboratories, Mayo Clinic
Classification: Likely benign. Last evaluated: 2025-10-22. Review status: criteria provided, single submitter. Criteria: ACMG Guidelines, 2015. Collection method: clinical testing. Allele origin: germline. Observed: 4 variant alleles.
Comment: BS1, BP1

PreventionGenetics, part of Exact Sciences
Classification: Likely benign for TTN-related condition. Last evaluated: 2025-10-22. Review status: criteria provided, single submitter. Criteria: ACMG Guidelines, 2015. Collection method: clinical testing. Allele origin: germline.
Comment: This variant is classified as likely benign based on ACMG/AMP sequence variant interpretation guidelines (Richards et al. 2015 PMID: 25741868, with internal and published modifications).

Women's Health and Genetics/Laboratory Corporation of America, LabCorp
Classification: Likely benign. Last evaluated: 2025-08-29. Review status: criteria provided, single submitter. Criteria: LabCorp Variant Classification Summary - May 2015. Collection method: clinical testing. Allele origin: germline.
Comment: Variant summary: TTN c.12814G>T (p.Asp4272Tyr) results in a non-conservative amino acid change in the encoded protein sequence. Algorithms developed to predict the effect of missense changes on protein structure and function all suggest that this variant is likely to be disruptive. The variant allele was found at a frequency of 0.00053 in 248410 control chromosomes, predominantly at a frequency of 0.00093 within the Non-Finnish European subpopulation in the gnomAD database. The observed variant frequency within Non-Finnish European control individuals in the gnomAD database exceeds the estimated maximal expected allele frequency for disease-causing variants in TTN. c.12814G>T has been observed in individuals affected with Cardiomyopathy, withtout strong evidence for causality (e.g. Chami_2014, Campuzano_2015, Kostareva_2016). These reports do not provide unequivocal conclusions about association of the variant with Dilated Cardiomyopathy. To our knowledge, no experimental evidence demonstrating an impact on protein function has been reported. The following publications have been ascertained in the context of this evaluation (PMID: 27662471, 26516846, 25448463). ClinVar contains an entry for this variant (Variation ID: 46618). Based on the evidence outlined above, the variant was classified as likely benign.

Molecular Diagnostic Laboratory for Inherited Cardiovascular Disease, Montreal Heart Institute
Classification: Likely benign. Last evaluated: 2025-04-09. Review status: criteria provided, single submitter. Criteria: ACMG Guidelines, 2015. Collection method: clinical testing. Allele origin: germline. Affected: no.
Comment: BS1;BP1

Blueprint Genetics
Classification: Likely benign. Last evaluated: 2024-11-21. Review status: criteria provided, single submitter. Criteria: ACMG Guidelines, 2015. Collection method: clinical testing. Allele origin: germline.

Center for Advanced Laboratory Medicine, UC San Diego Health, University of California San Diego
Classification: Likely benign for Dilated cardiomyopathy; Arrhythmogenic right ventricular cardiomyopathy. Last evaluated: 2019-05-28. Review status: criteria provided, single submitter. Criteria: ACMG Guidelines, 2015. Collection method: clinical testing. Allele origin: germline. Affected: yes. Observed: 2 variant alleles.

ARUP Laboratories, Molecular Genetics and Genomics, ARUP Laboratories
Classification: Uncertain significance. Last evaluated: 2018-11-13. Review status: criteria provided, single submitter. Criteria: ARUP Molecular Germline Variant Investigation Process. Collection method: clinical testing. Allele origin: germline.
Comment: The TTN c.12814G>T; p.Asp4272Tyr variant (rs72648940; ClinVar Variation ID: 46618) is rare in the general population (<1% allele frequency in the Genome Aggregation Database) and has not been reported in the medical literature in association with dilated cardiomyopathy (DCM) or other TTN-related disease. The clinical relevance of rare missense variants in this gene, which are identified on average once per individual sequenced in affected populations (Herman 2012), is not well understood. Yet, evidence suggests that the vast majority of such missense variants do not contribute to the clinical outcome of DCM (Begay 2015). Thus, the clinical significance of the p.Asp4272Tyr variant cannot be determined with certainty. References: Begay RL et al. Role of Titin Missense Variants in Dilated Cardiomyopathy. J Am Heart Assoc. 2015 Nov 13;4(11). Herman DS et al. Truncations of titin causing dilated cardiomyopathy. N Engl J Med. 2012 Feb 16;366(7):619-28. Linke and Hamdani. Gigantic business: titin properties and function through thick and thin. Circ Res 2014; 114(6): 1052-1068.

Athena Diagnostics
Classification: Likely benign. Last evaluated: 2018-07-10. Review status: criteria provided, single submitter. Criteria: Athena Diagnostics Criteria. Collection method: clinical testing. Allele origin: germline.

Illumina Laboratory Services, Illumina
Classification: Uncertain significance for Autosomal recessive limb-girdle muscular dystrophy type 2J. Last evaluated: 2018-01-13. Review status: criteria provided, single submitter. Criteria: ICSL Variant Classification Criteria 13 December 2019. Collection method: clinical testing. Allele origin: germline.

Illumina Laboratory Services, Illumina
Classification: Benign for Tibial muscular dystrophy. Last evaluated: 2018-01-13. Review status: criteria provided, single submitter. Criteria: ICSL Variant Classification Criteria 13 December 2019. Collection method: clinical testing. Allele origin: germline.
Comment: This variant was observed in the ICSL laboratory as part of a predisposition screen in an ostensibly healthy population. It had not been previously curated by ICSL or reported in the Human Gene Mutation Database (HGMD: prior to June 1st, 2018), and was therefore a candidate for classification through an automated scoring system. Utilizing variant allele frequency, disease prevalence and penetrance estimates, and inheritance mode, an automated score was calculated to assess if this variant is too frequent to cause the disease. Based on the score and internal cut-off values, a variant classified as benign is not then subjected to further curation. The score for this variant resulted in a classification of benign for this disease.

Illumina Laboratory Services, Illumina
Classification: Benign for Myopathy, myofibrillar, 9, with early respiratory failure. Last evaluated: 2018-01-13. Review status: criteria provided, single submitter. Criteria: ICSL Variant Classification Criteria 13 December 2019. Collection method: clinical testing. Allele origin: germline.
Comment: the same text as in the submission from Illumina Laboratory Services, Illumina above.